The following is an entry in ClinVar:

NM_001394998.1(TANC2):c.2252A>C (p.Lys751Thr)

Gene: TANC2 (tetratricopeptide repeat, ankyrin repeat and coiled-coil containing 2; plus strand). Cytogenetic location: 17q23.3.
Variant type: single nucleotide variant.
Coding change: c.2252A>C on transcript NM_001394998.1 (MANE Select); coding-DNA position 2252, A replaced by C.
Protein change: p.Lys751Thr; replaces lysine 751 with threonine.
Molecular consequence: missense variant.
Genome position (GRCh38, 1-based): chr17:63,355,060, A>C. VCF-style: chr17-63355060-A-C. GRCh37 (hg19) VCF-style: chr17-61432421-A-C.
Other names: c.2030A>C, p.Lys677Thr (NM_001411076.1, NM_025185.4); short protein forms K751T, K677T.
Identifiers: ClinVar variation 4632633 (VCV004632633.2).

ClinVar aggregate classification (germline): Uncertain significance. Review status: criteria provided, multiple submitters, no conflicts (2 of 4 stars). 2 submissions from 2 submitters: Uncertain significance (2). Last evaluated 2026-07-24.

Conditions:
Inborn genetic diseases. Identifiers: MedGen C0950123, MeSH D030342.
TANC2-related disorder. Also called: TANC2-related condition.

gnomAD v4.1: 2 of 1,613,912 alleles (0.00012%); highest among the groups gnomAD compares: Admixed American, 0.0017%; no homozygotes.

Submissions (2):

PreventionGenetics, part of Exact Sciences
Classification: Uncertain significance for TANC2-related condition. Last evaluated: 2026-07-24. Review status: criteria provided, single submitter. Criteria: ACMG Guidelines, 2015. Collection method: clinical testing. Allele origin: germline.
Comment: The TANC2 c.2030A>C variant is predicted to result in the amino acid substitution p.Lys677Thr. To our knowledge, this variant has not been reported in the literature or in a large population database (gnomAD), indicating this variant is rare. At this time, the clinical significance of this variant is uncertain due to the absence of conclusive functional and genetic evidence.

Ambry Genetics
Classification: Uncertain significance for Inborn genetic diseases. Last evaluated: 2025-11-02. Review status: criteria provided, single submitter. Criteria: Ambry Variant Classification Scheme 2023. Collection method: clinical testing. Allele origin: germline.